The following is an entry in ClinVar:

NM_001267550.2(TTN):c.95266del (p.Trp31755_Val31756insTer)

Genes: TTN (titin; minus strand), TTN-AS1 (TTN antisense RNA 1; plus strand). Cytogenetic location: 2q31.2.
Variant type: Deletion.
Coding change: c.95266del on transcript NM_001267550.2 (MANE Select); coding-DNA position 95266, one base deleted (G; older notation c.95266delG).
Protein change: p.Trp31755_Val31756insTer.
Molecular consequence: nonsense.
Genome position (GRCh38, 1-based): chr2:178,545,970, C deleted on the plus strand (G on the coding strand, the reverse complement: TTN is on the minus strand); the first of 3 consecutive C bases (chr2:178,545,970-178,545,972); deleting any one gives the same sequence. VCF-style (leftmost placement, unchanged base first): chr2-178545969-AC-A. GRCh37 (hg19) VCF-style: chr2-179410696-AC-A.
Other names: c.68071delG (NM_003319.4); c.90343del, p.Trp30114_Val30115insTer (NM_001256850.1); c.68071del, p.Trp22690_Val22691insTer (NM_003319.4); c.87562del, p.Trp29187_Val29188insTer (NM_133378.4); c.68446del, p.Trp22815_Val22816insTer (NM_133432.3); c.68647del, p.Trp22882_Val22883insTer (NM_133437.4).
Identifiers: ClinVar variation 1515638 (VCV001515638.8), dbSNP rs2154145523, ClinGen allele CA2573134075.

ClinVar aggregate classification (germline): Likely pathogenic. Review status: criteria provided, multiple submitters, no conflicts (2 of 4 stars). 2 submissions from 2 submitters: Likely pathogenic (2). Last evaluated 2025-01-19.

Conditions:
Cardiovascular phenotype. Identifiers: MedGen CN230736.
Dilated cardiomyopathy 1G (CMD1G). Identifiers: Orphanet 154, MedGen C1858763, MONDO:0011400, OMIM 604145.
Autosomal recessive limb-girdle muscular dystrophy type 2J (LGMDR10). Also called: Limb-girdle muscular dystrophy, type 2J; MUSCULAR DYSTROPHY, LIMB-GIRDLE, AUTOSOMAL RECESSIVE 10. Identifiers: Orphanet 140922, MedGen C1837342, MONDO:0012127, OMIM 608807.

Submissions (2):

Labcorp Genetics (formerly Invitae), Labcorp
Classification: Likely pathogenic for Dilated cardiomyopathy 1G; Autosomal recessive limb-girdle muscular dystrophy type 2J. Last evaluated: 2025-01-19. Review status: criteria provided, single submitter. Criteria: Invitae Variant Classification Sherloc (09022015). Collection method: clinical testing. Allele origin: germline.
Comment: This sequence change creates a premature translational stop signal (p.Val31756*) in the TTN gene. While this is not anticipated to result in nonsense mediated decay, it is expected to create a truncated TTN protein. This variant is not present in population databases (gnomAD no frequency). This variant has not been reported in the literature in individuals affected with TTN-related conditions. ClinVar contains an entry for this variant (Variation ID: 1515638). This variant is located in the A band of TTN (PMID: 25589632). Truncating variants in this region are significantly overrepresented in patients affected with dilated cardiomyopathy (PMID: 25589632). Truncating variants in this region have also been reported in individuals affected with autosomal recessive centronuclear myopathy (PMID: 23975875). In summary, the currently available evidence indicates that the variant is pathogenic, but additional data are needed to prove that conclusively. Therefore, this variant has been classified as Likely Pathogenic.

Ambry Genetics
Classification: Likely pathogenic for Cardiovascular phenotype. Last evaluated: 2024-05-16. Review status: criteria provided, single submitter. Criteria: Ambry Variant Classification Scheme 2023. Collection method: clinical testing. Allele origin: germline.
Comment: The c.68071delG variant, located in coding exon 170 of the TTN gene, results from a deletion of one nucleotide at nucleotide position 68071, causing a translational frameshift with a predicted alternate stop codon (p.V22691*). This exon is located in the A-band region of the N2-B isoform of the titin protein and is constitutively expressed in TTN transcripts (percent spliced in or PSI 100%). This variant is considered to be rare based on population cohorts in the Genome Aggregation Database (gnomAD). In addition, this alteration is expected to result in loss of function by premature protein truncation or nonsense-mediated mRNA decay. While truncating variants in TTN are present in 1-3% of the general population, truncating variants in the A-band are the most common cause of dilated cardiomyopathy (DCM) (Herman DS et al. N. Engl. J. Med., 2012 Feb;366:619-28; Roberts AM et al. Sci Transl Med, 2015 Jan;7:270ra6). TTN truncating variants encoded in constitutive exons (PSI >90%) have been found to be significantly associated with DCM regardless of their position in titin (Schafer S et al. Nat. Genet., 2017 01;49:46-53). Based on the majority of available evidence to date, this variant is likely to be pathogenic.

Literature cited by the submitters: PubMed 25589632 (cited by Labcorp Genetics (formerly Invitae), Labcorp); PubMed 23975875 (cited by Labcorp Genetics (formerly Invitae), Labcorp).